The following is an entry in ClinVar:

ClinVar aggregate classification (germline): Benign. Review status: criteria provided, multiple submitters, no conflicts (2 of 4 stars). 2 submissions from 2 submitters: Benign (2). Last evaluated 2018-06-15.

Allele frequency attached by ClinVar (database versions not stated): gnomAD 0.03658 and 0.03912; 1000 Genomes Project 0.04034; TOPMed 0.04161; 1000 Genomes Project 30x 0.04263.
gnomAD v4.1: 11,138 of 1,579,388 alleles (0.71%); highest among the groups gnomAD compares: African/African-American, 13%; 626 homozygotes.

Submissions (2):

GeneDx
Classification: Benign. Last evaluated: 2018-06-15. Review status: criteria provided, single submitter. Criteria: GeneDx Variant Classification (06012015). Collection method: clinical testing. Allele origin: germline. Affected: yes.
Comment: This variant is considered likely benign or benign based on one or more of the following criteria: it is a conservative change, it occurs at a poorly conserved position in the protein, it is predicted to be benign by multiple in silico algorithms, and/or has population frequency not consistent with disease.

Breakthrough Genomics
Classification: Benign. Review status: criteria provided, single submitter. Criteria: ACMG Guidelines, 2015. Collection method: not provided. Allele origin: germline. Inheritance: Autosomal dominant inheritance. Affected: yes.

NM_002691.4(POLD1):c.2007-83G>A

Gene: POLD1 (DNA polymerase delta 1, catalytic subunit; plus strand). Cytogenetic location: 19q13.33.
Variant type: single nucleotide variant.
Coding change: c.2007-83G>A on transcript NM_002691.4 (MANE Select); 83 bases into the intron before coding-DNA position 2007, G replaced by A.
Molecular consequence: intron variant.
Genome position (GRCh38, 1-based): chr19:50,409,436, G>A. VCF-style: chr19-50409436-G-A. GRCh37 (hg19) VCF-style: chr19-50912693-G-A.
Other names: c.2007-83G>A (NM_001256849.1); c.2085-83G>A (NM_001308632.1).
Identifiers: ClinVar variation 676549 (VCV000676549.2), dbSNP rs3219408, ClinGen allele CA309602064.